The following is an entry in ClinVar:

ClinVar aggregate classification (germline): Benign. Review status: criteria provided, multiple submitters, no conflicts (2 of 4 stars). 3 submissions from 3 submitters: Benign (3). Last evaluated 2026-01-25.

Conditions:
Fleck corneal dystrophy (CFD). Also called: CORNEAL DYSTROPHY, FRANCOIS-NEETENS SPECKLED OR FLECKED. Identifiers: Orphanet 98970, MedGen C1562113, MONDO:0007376, OMIM 121850.

Allele frequency attached by ClinVar (database versions not stated): gnomAD exomes 0.02479 and 0.02800; ExAC 0.02544; 1000 Genomes Project 0.02796; 1000 Genomes Project 30x 0.02904; gnomAD 0.03351 and 0.03491; TOPMed 0.03450; ESP Exome Variant Server 0.03698.
gnomAD v4.1: 46,130 of 1,614,164 alleles (2.9%); highest among the groups gnomAD compares: African/African-American, 5.5%; 758 homozygotes.

Submissions (3):

Labcorp Genetics (formerly Invitae), Labcorp
Classification: Benign. Last evaluated: 2026-01-25. Review status: criteria provided, single submitter. Criteria: Invitae Variant Classification Sherloc (09022015). Collection method: clinical testing. Allele origin: germline.

Illumina Laboratory Services, Illumina
Classification: Benign for Fleck corneal dystrophy. Last evaluated: 2018-01-13. Review status: criteria provided, single submitter. Criteria: ICSL Variant Classification Criteria 13 December 2019. Collection method: clinical testing. Allele origin: germline.
Comment: This variant was observed in the ICSL laboratory as part of a predisposition screen in an ostensibly healthy population. It had not been previously curated by ICSL or reported in the Human Gene Mutation Database (HGMD: prior to June 1st, 2018), and was therefore a candidate for classification through an automated scoring system. Utilizing variant allele frequency, disease prevalence and penetrance estimates, and inheritance mode, an automated score was calculated to assess if this variant is too frequent to cause the disease. Based on the score and internal cut-off values, a variant classified as benign is not then subjected to further curation. The score for this variant resulted in a classification of benign for this disease.

Breakthrough Genomics
Classification: Benign. Review status: criteria provided, single submitter. Criteria: ACMG Guidelines, 2015. Collection method: not provided. Allele origin: germline. Inheritance: Autosomal dominant inheritance. Affected: yes.

NM_015040.4(PIKFYVE):c.5511T>C (p.Ile1837=)

Gene: PIKFYVE (phosphoinositide kinase, FYVE-type zinc finger containing; plus strand). Cytogenetic location: 2q34.
Variant type: single nucleotide variant.
Coding change: c.5511T>C on transcript NM_015040.4 (MANE Select); coding-DNA position 5511, T replaced by C.
Protein change: p.Ile1837=; no amino-acid change (isoleucine 1837 retained).
Molecular consequence: synonymous variant.
Genome position (GRCh38, 1-based): chr2:208,350,847, T>C. VCF-style: chr2-208350847-T-C. GRCh37 (hg19) VCF-style: chr2-209215571-T-C.
Identifiers: ClinVar variation 333933 (VCV000333933.10), dbSNP rs13020468, ClinGen allele CA2080665.
Genomic context (GRCh38, chr2:208,350,847, plus strand): 5'-TGCCAAGTTTTACTGTCGGCTCTACTATGCGGGAGAGTTTCATAAGATGCGTGAAGTGAT[T>C]CTGGACAGCAGTGAAGAAGATTTCATTCGTTCCCTCTCCCACTCATCACCCTGGCAGGCC-3'
Protein context (NP_055855.2, residues 1827-1847): AGEFHKMREV[Ile1837=]LDSSEEDFIR